The following is an entry in ClinVar:

ClinVar aggregate classification (germline): Uncertain significance. Review status: criteria provided, multiple submitters, no conflicts (2 of 4 stars). 2 submissions from 2 submitters: Uncertain significance (2). Last evaluated 2024-03-08.

Conditions:
Van Maldergem syndrome 2 (VMLDS2). Identifiers: Orphanet 314679, MedGen C3809875, MONDO:0014242, OMIM 615546.
Hennekam lymphangiectasia-lymphedema syndrome 2 (HKLLS2). Identifiers: Orphanet 2136, MedGen C4014939, MONDO:0014454, OMIM 616006.

Allele frequency attached by ClinVar (database versions not stated): gnomAD exomes 0.00001 and 0.00008; ExAC 0.00002; TOPMed 0.00002; ESP Exome Variant Server 0.00008.
gnomAD v4.1: 120 of 1,614,102 alleles (0.0074%); highest among the groups gnomAD compares: Non-Finnish European, 0.01%; no homozygotes.

Submissions (2):

Fulgent Genetics
Classification: Uncertain significance for Van Maldergem syndrome 2; Hennekam lymphangiectasia-lymphedema syndrome 2. Last evaluated: 2024-03-08. Review status: criteria provided, single submitter. Criteria: ACMG Guidelines, 2015. Collection method: clinical testing. Allele origin: germline.

Labcorp Genetics (formerly Invitae), Labcorp
Classification: Uncertain significance. Last evaluated: 2020-10-25. Review status: criteria provided, single submitter. Criteria: Invitae Variant Classification Sherloc (09022015). Collection method: clinical testing. Allele origin: germline.
Comment: Advanced modeling of protein sequence and biophysical properties (such as structural, functional, and spatial information, amino acid conservation, physicochemical variation, residue mobility, and thermodynamic stability) performed at Invitae indicates that this missense variant is not expected to disrupt FAT4 protein function. In summary, the available evidence is currently insufficient to determine the role of this variant in disease. Therefore, it has been classified as a Variant of Uncertain Significance. This variant is present in population databases (rs368166167, ExAC 0.003%). This variant has not been reported in the literature in individuals with FAT4-related conditions. This sequence change replaces aspartic acid with glutamic acid at codon 4809 of the FAT4 protein (p.Asp4809Glu). The aspartic acid residue is highly conserved and there is a small physicochemical difference between aspartic acid and glutamic acid.

NM_001291303.3(FAT4):c.14433C>G (p.Asp4811Glu)

Gene: FAT4 (FAT atypical cadherin 4; plus strand). Cytogenetic location: 4q28.1.
Variant type: single nucleotide variant.
Coding change: c.14433C>G on transcript NM_001291303.3 (MANE Select); coding-DNA position 14433, C replaced by G.
Protein change: p.Asp4811Glu; replaces aspartic acid 4811 with glutamic acid.
Molecular consequence: missense variant.
Genome position (GRCh38, 1-based): chr4:125,491,249, C>G. VCF-style: chr4-125491249-C-G. GRCh37 (hg19) VCF-style: chr4-126412404-C-G.
Other names: c.14430C>G, p.Asp4810Glu (NM_001291285.3); c.14427C>G, p.Asp4809Glu (NM_024582.6); c.14427C>G (NM_024582.5); short protein forms D4810E, D4809E, D4811E.
Identifiers: ClinVar variation 1521878 (VCV001521878.9), dbSNP rs368166167, ClinGen allele CA3074561.